The following is an entry in ClinVar:

ClinVar aggregate classification (germline): Benign/Likely benign. Review status: criteria provided, multiple submitters, no conflicts (2 of 4 stars). 4 submissions from 4 submitters: Benign (3); Likely benign (1). Last evaluated 2026-07-01.

Allele frequency attached by ClinVar (database versions not stated): 1000 Genomes Project 30x 0.00344; 1000 Genomes Project 0.00379; TOPMed 0.00574; gnomAD 0.00600 and 0.00630; gnomAD exomes 0.00643 and 0.00824; ESP Exome Variant Server 0.00715; ExAC 0.00781.
gnomAD v4.1: 12,868 of 1,613,350 alleles (0.8%); highest among the groups gnomAD compares: Non-Finnish European, 0.94%; 74 homozygotes.

Submissions (4):

CeGaT Center for Human Genetics Tuebingen
Classification: Likely benign. Last evaluated: 2026-07-01. Review status: criteria provided, single submitter. Criteria: CeGaT Center For Human Genetics Tuebingen Variant Classification Criteria Version 2. Collection method: clinical testing. Allele origin: germline. Affected: yes. Observed: 6 variant alleles.
Comment: MYO1C: BS2

GeneDx
Classification: Benign. Last evaluated: 2018-10-22. Review status: criteria provided, single submitter. Criteria: GeneDx Variant Classification Process June 2021. Collection method: clinical testing. Allele origin: germline. Affected: yes.
Comment: This variant is associated with the following publications: (PMID: 19027848)

Genomic Diagnostic Laboratory, Division of Genomic Diagnostics, Children's Hospital of Philadelphia
Classification: Benign. Last evaluated: 2015-05-11. Review status: criteria provided, single submitter. Criteria: DGD Variant Analysis Guidelines. Collection method: clinical testing. Allele origin: unknown.

Breakthrough Genomics
Classification: Benign. Review status: criteria provided, single submitter. Criteria: ACMG Guidelines, 2015. Collection method: not provided. Allele origin: germline. Inheritance: Unknown mechanism. Affected: yes.

NM_001080779.2(MYO1C):c.2574A>C (p.Lys858Asn)

Gene: MYO1C (myosin IC; minus strand). Cytogenetic location: 17p13.3.
Variant type: single nucleotide variant.
Coding change: c.2574A>C on transcript NM_001080779.2 (MANE Select); coding-DNA position 2574, A replaced by C.
Protein change: p.Lys858Asn; replaces lysine 858 with asparagine.
Molecular consequence: missense variant.
Genome position (GRCh38, 1-based): chr17:1,469,567, T>G on the plus strand (A>C on the coding strand, the complement: MYO1C is on the minus strand). VCF-style: chr17-1469567-T-G. GRCh37 (hg19) VCF-style: chr17-1372861-T-G.
Other names: c.2517A>C, p.Lys839Asn (NM_001080950.2); c.2502A>C, p.Lys834Asn (NM_001363855.1); c.2469A>C, p.Lys823Asn (NM_033375.5); short protein forms K858N, K823N, K834N, K839N.
Identifiers: ClinVar variation 218505 (VCV000218505.25), dbSNP rs61753652, ClinGen allele CA249252.